The following is an entry in ClinVar:

NM_005559.4(LAMA1):c.1942_1948del (p.Phe648fs)

Gene: LAMA1 (laminin subunit alpha 1; minus strand). Cytogenetic location: 18p11.31.
Variant type: Deletion.
Coding change: c.1942_1948del on transcript NM_005559.4 (MANE Select); coding-DNA positions 1942 to 1948, 7 bases deleted (TTTCACA; older notation c.1942_1948delTTTCACA).
Protein change: p.Phe648fs; shifts the reading frame from phenylalanine 648.
Molecular consequence: frameshift variant.
Genome position (GRCh38, 1-based): chr18:7,034,582-7,034,588, TGTGAAA deleted on the plus strand (TTTCACA on the coding strand, the reverse complement: LAMA1 is on the minus strand). VCF-style (leftmost placement, unchanged base first): chr18-7034581-CTGTGAAA-C. GRCh37 (hg19) VCF-style: chr18-7034580-CTGTGAAA-C.
Other names: short protein forms F648fs.
Identifiers: ClinVar variation 593704 (VCV000593704.14), dbSNP rs754361205, ClinGen allele CA8882822.

ClinVar aggregate classification (germline): Pathogenic. Review status: criteria provided, multiple submitters, no conflicts (2 of 4 stars). 3 submissions from 3 submitters: Pathogenic (3). Last evaluated 2022-05-20.

Allele frequency attached by ClinVar (database versions not stated): TOPMed below 0.00001; ExAC 0.00001; gnomAD exomes 0.00001.

Submissions (3):

GeneDx
Classification: Pathogenic. Last evaluated: 2022-05-20. Review status: criteria provided, single submitter. Criteria: GeneDx Variant Classification Process June 2021. Collection method: clinical testing. Allele origin: germline. Affected: yes.
Comment: Frameshift variant predicted to result in protein truncation or nonsense mediated decay in a gene for which loss-of-function is a known mechanism of disease; Has not been previously published as pathogenic or benign to our knowledge

Labcorp Genetics (formerly Invitae), Labcorp
Classification: Pathogenic. Last evaluated: 2021-12-02. Review status: criteria provided, single submitter. Criteria: Invitae Variant Classification Sherloc (09022015). Collection method: clinical testing. Allele origin: germline.
Comment: For these reasons, this variant has been classified as Pathogenic. This sequence change creates a premature translational stop signal (p.Phe648Alafs*10) in the LAMA1 gene. It is expected to result in an absent or disrupted protein product. Loss-of-function variants in LAMA1 are known to be pathogenic (PMID: 25105227, 26932191). This variant is present in population databases (rs754361205, gnomAD 0.0009%). This variant has not been reported in the literature in individuals affected with LAMA1-related conditions. ClinVar contains an entry for this variant (Variation ID: 593704).

Eurofins Ntd Llc (ga)
Classification: Pathogenic. Last evaluated: 2017-08-16. Review status: criteria provided, single submitter. Criteria: EGL Classification Definitions 2015. Collection method: clinical testing. Allele origin: germline. Observed: 1 variant allele, 1 heterozygote.

Literature cited by the submitters: PubMed 25105227 (cited by Labcorp Genetics (formerly Invitae), Labcorp); PubMed 26932191 (cited by Labcorp Genetics (formerly Invitae), Labcorp).